The following is an entry in ClinVar:

NM_004531.5(MOCS2):c.460G>A (p.Ala154Thr)

Gene: MOCS2 (molybdenum cofactor synthesis 2; minus strand). Cytogenetic location: 5q11.2.
Variant type: single nucleotide variant.
Coding change: c.460G>A on transcript NM_004531.5 (MANE Select); coding-DNA position 460, G replaced by A.
Protein change: p.Ala154Thr; replaces alanine 154 with threonine.
Molecular consequence: missense variant. On other transcripts: 3 prime UTR variant (1).
Genome position (GRCh38, 1-based): chr5:53,100,452, C>T on the plus strand (G>A on the coding strand, the complement: MOCS2 is on the minus strand). VCF-style: chr5-53100452-C-T. GRCh37 (hg19) VCF-style: chr5-52396282-C-T.
Other names: c.*380G>A (NM_176806.4); c.460G>A, p.Ala154Thr (NM_183418.1); short protein forms A154T.
Identifiers: ClinVar variation 2151732 (VCV002151732.1), dbSNP rs141587855, ClinGen allele CA3263615.

ClinVar aggregate classification (germline): Uncertain significance (1 of 4 stars; one submission).

Allele frequency attached by ClinVar (database versions not stated): ExAC 0.00002; gnomAD exomes 0.00002; gnomAD 0.00003; TOPMed 0.00003; ESP Exome Variant Server 0.00023.
gnomAD v4.1: 40 of 1,613,704 alleles (0.0025%); highest among the groups gnomAD compares: Non-Finnish European, 0.0031%; no homozygotes.

Submission:

Labcorp Genetics (formerly Invitae), Labcorp
Classification: Uncertain significance. Last evaluated: 2022-02-27. Review status: criteria provided, single submitter. Criteria: Invitae Variant Classification Sherloc (09022015). Collection method: clinical testing. Allele origin: germline.
Comment: This sequence change replaces alanine, which is neutral and non-polar, with threonine, which is neutral and polar, at codon 154 of the MOCS2B protein (p.Ala154Thr). This variant is present in population databases (rs141587855, gnomAD 0.004%). This variant has not been reported in the literature in individuals affected with MOCS2B-related conditions. Algorithms developed to predict the effect of missense changes on protein structure and function are either unavailable or do not agree on the potential impact of this missense change (SIFT: "Tolerated"; PolyPhen-2: "Possibly Damaging"; Align-GVGD: "Class C0"). In summary, the available evidence is currently insufficient to determine the role of this variant in disease. Therefore, it has been classified as a Variant of Uncertain Significance.